The following is an entry in ClinVar:

ClinVar aggregate classification (germline): Pathogenic/Likely pathogenic. Review status: criteria provided, multiple submitters, no conflicts (2 of 4 stars). 5 submissions from 5 submitters: Pathogenic (3); Likely pathogenic (2). Last evaluated 2026-05-18.

Conditions:
PURA-related severe neonatal hypotonia-seizures-encephalopathy syndrome (NEDRIHF). Also called: PURA-Related Neurodevelopmental Disorders; NEURODEVELOPMENTAL DISORDER WITH NEONATAL RESPIRATORY INSUFFICIENCY, HYPOTONIA, AND FEEDING DIFFICULTIES. Identifiers: Orphanet 438213, Orphanet 438216, MedGen C4015357, MONDO:1060108, OMIM 616158, MONDO:0018580.
PURA-related disorder. Also called: PURA-related condition.

Submissions (5):

Department of Human Genetics, Hannover Medical School
Classification: Likely pathogenic for PURA-related severe neonatal hypotonia-seizures-encephalopathy syndrome. Last evaluated: 2026-05-18. Review status: criteria provided, single submitter. Criteria: ACMG Guidelines, 2015. Collection method: clinical testing. Allele origin: germline. Affected: yes.
Comment: PS2_Supporting, PM2_Supporting, PM6_Moderate, PP2, PP3_Moderate

Labcorp Genetics (formerly Invitae), Labcorp
Classification: Pathogenic for PURA-related severe neonatal hypotonia-seizures-encephalopathy syndrome. Last evaluated: 2025-08-21. Review status: criteria provided, single submitter. Criteria: Invitae Variant Classification Sherloc (09022015). Collection method: clinical testing. Allele origin: germline.
Comment: This sequence change replaces phenylalanine, which is neutral and non-polar, with cysteine, which is neutral and slightly polar, at codon 231 of the PURA protein (p.Phe231Cys). This variant is not present in population databases (gnomAD no frequency). This missense change has been observed in individual(s) with clinical features of PURA-related conditions (internal data). In at least one individual the variant was observed to be de novo. ClinVar contains an entry for this variant (Variation ID: 1335851). Invitae Evidence Modeling of protein sequence and biophysical properties (such as structural, functional, and spatial information, amino acid conservation, physicochemical variation, residue mobility, and thermodynamic stability) indicates that this missense variant is expected to disrupt PURA protein function with a positive predictive value of 95%. For these reasons, this variant has been classified as Pathogenic.

Blueprint Genetics
Classification: Pathogenic for PURA-related disorders. Last evaluated: 2024-07-06. Review status: criteria provided, single submitter. Criteria: ACMG Guidelines, 2015. Collection method: clinical testing. Allele origin: de novo. Affected: yes. Observed: 3 variant alleles.

CeGaT Center for Human Genetics Tuebingen
Classification: Likely pathogenic. Last evaluated: 2022-10-01. Review status: criteria provided, single submitter. Criteria: CeGaT Center For Human Genetics Tuebingen Variant Classification Criteria Version 2. Collection method: clinical testing. Allele origin: germline. Affected: yes. Observed: 1 variant allele.
Comment: PURA: PS2, PM2, PP2

GeneDx
Classification: Pathogenic. Last evaluated: 2022-01-18. Review status: criteria provided, single submitter. Criteria: GeneDx Variant Classification Process June 2021. Collection method: clinical testing. Allele origin: germline. Affected: yes.
Comment: Apparently de novo variant in a patient included in a cohort of individuals undergoing whole genome sequencing, however, clinical information was not provided (Stranneheim, et al., 2021); Not observed at significant frequency in large population cohorts (gnomAD); In silico analysis, which includes protein predictors and evolutionary conservation, supports a deleterious effect; This variant is associated with the following publications: (PMID: 33726816)

NM_005859.5(PURA):c.692T>G (p.Phe231Cys)

Gene: PURA (purine rich element binding protein A; plus strand). Cytogenetic location: 5q31.3.
Variant type: single nucleotide variant.
Coding change: c.692T>G on transcript NM_005859.5 (MANE Select); coding-DNA position 692, T replaced by G.
Protein change: p.Phe231Cys; replaces phenylalanine 231 with cysteine.
Molecular consequence: missense variant.
Genome position (GRCh38, 1-based): chr5:140,114,873, T>G. VCF-style: chr5-140114873-T-G. GRCh37 (hg19) VCF-style: chr5-139494458-T-G.
Other names: short protein forms F231C.
Identifiers: ClinVar variation 1335851 (VCV001335851.37), dbSNP rs1554129113, ClinGen allele CA361491325.